The following is an entry in ClinVar:

ClinVar aggregate classification (germline): Uncertain significance. Review status: criteria provided, multiple submitters, no conflicts (2 of 4 stars). 2 submissions from 2 submitters: Uncertain significance (2). Last evaluated 2026-09-05.

Submissions (2):

GeneDx
Classification: Uncertain significance. Last evaluated: 2026-09-05. Review status: criteria provided, single submitter. Criteria: GeneDx Variant Classification Process June 2021. Collection method: clinical testing. Allele origin: germline.
Comment: Not observed at significant frequency in large population cohorts (gnomAD); In silico analysis supports that this missense variant has a deleterious effect on protein structure/function; Has not been previously published as pathogenic or benign to our knowledge

Labcorp Genetics (formerly Invitae), Labcorp
Classification: Uncertain significance. Last evaluated: 2025-04-09. Review status: criteria provided, single submitter. Criteria: Invitae Variant Classification Sherloc (09022015). Collection method: clinical testing. Allele origin: germline.
Comment: This sequence change replaces glutamic acid, which is acidic and polar, with alanine, which is neutral and non-polar, at codon 458 of the SCN3A protein (p.Glu458Ala). This variant is not present in population databases (gnomAD no frequency). This variant has not been reported in the literature in individuals affected with SCN3A-related conditions. ClinVar contains an entry for this variant (Variation ID: 1363877). Invitae Evidence Modeling of protein sequence and biophysical properties (such as structural, functional, and spatial information, amino acid conservation, physicochemical variation, residue mobility, and thermodynamic stability) indicates that this missense variant is not expected to disrupt SCN3A protein function with a negative predictive value of 95%. In summary, the available evidence is currently insufficient to determine the role of this variant in disease. Therefore, it has been classified as a Variant of Uncertain Significance.

NM_006922.4(SCN3A):c.1373A>C (p.Glu458Ala)

Gene: SCN3A (sodium voltage-gated channel alpha subunit 3; minus strand). Cytogenetic location: 2q24.3.
Variant type: single nucleotide variant.
Coding change: c.1373A>C on transcript NM_006922.4 (MANE Select); coding-DNA position 1373, A replaced by C.
Protein change: p.Glu458Ala; replaces glutamic acid 458 with alanine.
Molecular consequence: missense variant.
Genome position (GRCh38, 1-based): chr2:165,154,459, T>G on the plus strand (A>C on the coding strand, the complement: SCN3A is on the minus strand). VCF-style: chr2-165154459-T-G. GRCh37 (hg19) VCF-style: chr2-166010969-T-G.
Other names: c.1373A>C, p.Glu458Ala (NM_001081676.2, NM_001081677.2); c.1373A>C (NM_006922.3); short protein forms E458A.
Identifiers: ClinVar variation 1363877 (VCV001363877.10), dbSNP rs1432178925, ClinGen allele CA349237873.